The following is an entry in ClinVar:

NM_020458.4(TTC7A):c.407C>T (p.Ser136Leu)

Gene: TTC7A (tetratricopeptide repeat domain 7A; plus strand). Cytogenetic location: 2p21.
Variant type: single nucleotide variant.
Coding change: c.407C>T on transcript NM_020458.4 (MANE Select); coding-DNA position 407, C replaced by T.
Protein change: p.Ser136Leu; replaces serine 136 with leucine.
Molecular consequence: missense variant. On other transcripts: 5 prime UTR variant (1).
Genome position (GRCh38, 1-based): chr2:46,956,897, C>T. VCF-style: chr2-46956897-C-T. GRCh37 (hg19) VCF-style: chr2-47184036-C-T.
Other names: c.407C>T, p.Ser136Leu (LRG_1323t1, NM_001288951.2); c.305C>T, p.Ser102Leu (NM_001288953.2); c.-498C>T (NM_001288955.2); short protein forms S102L, S136L.
Identifiers: ClinVar variation 576701 (VCV000576701.9), dbSNP rs748480706, ClinGen allele CA1647146.

ClinVar aggregate classification (germline): Uncertain significance (1 of 4 stars; one submission).

Conditions:
Multiple gastrointestinal atresias. Also called: Multiple intestinal atresia; FAMILIAL INTESTINAL POLYATRESIA SYNDROME. Identifiers: Orphanet 2300, MedGen C0220744, MONDO:0009465.

Allele frequency attached by ClinVar (database versions not stated): ExAC 0.00001.
gnomAD v4.1: 2 of 1,614,140 alleles (0.00012%); highest among the groups gnomAD compares: Non-Finnish European, 0.00017%; no homozygotes.

Submission:

Labcorp Genetics (formerly Invitae), Labcorp
Classification: Uncertain significance for Multiple gastrointestinal atresias. Last evaluated: 2022-10-13. Review status: criteria provided, single submitter. Criteria: Invitae Variant Classification Sherloc (09022015). Collection method: clinical testing. Allele origin: germline.
Comment: In summary, the available evidence is currently insufficient to determine the role of this variant in disease. Therefore, it has been classified as a Variant of Uncertain Significance. Advanced modeling of protein sequence and biophysical properties (such as structural, functional, and spatial information, amino acid conservation, physicochemical variation, residue mobility, and thermodynamic stability) performed at Invitae indicates that this missense variant is not expected to disrupt TTC7A protein function. ClinVar contains an entry for this variant (Variation ID: 576701). This variant has not been reported in the literature in individuals affected with TTC7A-related conditions. This variant is present in population databases (rs748480706, gnomAD 0.0009%). This sequence change replaces serine, which is neutral and polar, with leucine, which is neutral and non-polar, at codon 136 of the TTC7A protein (p.Ser136Leu).